The following is an entry in ClinVar:

ClinVar aggregate classification (germline): Uncertain significance (1 of 4 stars; one submission).

Conditions:
Catecholaminergic polymorphic ventricular tachycardia 1. Also called: VENTRICULAR TACHYCARDIA, STRESS-INDUCED POLYMORPHIC 1; VENTRICULAR TACHYCARDIA, CATECHOLAMINERGIC POLYMORPHIC, 1, WITH OR WITHOUT ATRIAL DYSFUNCTION AND/OR DILATED CARDIOMYOPATHY; RYR2-Related Catecholaminergic Polymorphic Ventricular Tachycardia. Identifiers: Orphanet 3286, MedGen C1631597, MONDO:0011484, OMIM 604772.

Submission:

Labcorp Genetics (formerly Invitae), Labcorp
Classification: Uncertain significance for Catecholaminergic polymorphic ventricular tachycardia 1. Last evaluated: 2020-11-11. Review status: criteria provided, single submitter. Criteria: Invitae Variant Classification Sherloc (09022015). Collection method: clinical testing. Allele origin: germline.
Comment: In summary, the available evidence is currently insufficient to determine the role of this variant in disease. Therefore, it has been classified as a Variant of Uncertain Significance. Advanced modeling of protein sequence and biophysical properties (such as structural, functional, and spatial information, amino acid conservation, physicochemical variation, residue mobility, and thermodynamic stability) performed at Invitae indicates that this missense variant is expected to disrupt RYR2 protein function. This variant has not been reported in the literature in individuals with RYR2-related conditions. This variant is not present in population databases (ExAC no frequency). This sequence change replaces methionine with valine at codon 2512 of the RYR2 protein (p.Met2512Val). The methionine residue is highly conserved and there is a small physicochemical difference between methionine and valine.

NM_001035.3(RYR2):c.7534A>G (p.Met2512Val)

Gene: RYR2 (ryanodine receptor 2; plus strand). Cytogenetic location: 1q43.
Variant type: single nucleotide variant.
Coding change: c.7534A>G on transcript NM_001035.3 (MANE Select); coding-DNA position 7534, A replaced by G.
Protein change: p.Met2512Val; replaces methionine 2512 with valine.
Molecular consequence: missense variant.
Genome position (GRCh38, 1-based): chr1:237,649,898, A>G. VCF-style: chr1-237649898-A-G. GRCh37 (hg19) VCF-style: chr1-237813198-A-G.
Other names: short protein forms M2512V.
Identifiers: ClinVar variation 1444410 (VCV001444410.9), dbSNP rs2148796155, ClinGen allele CA345399026.